The following is an entry in ClinVar:

NM_001005361.3(DNM2):c.789G>A (p.Pro263=)

Gene: DNM2 (dynamin 2; plus strand). Cytogenetic location: 19p13.2.
Variant type: single nucleotide variant.
Coding change: c.789G>A on transcript NM_001005361.3 (MANE Select); coding-DNA position 789, G replaced by A.
Protein change: p.Pro263=; no amino-acid change (proline 263 retained).
Molecular consequence: synonymous variant.
Genome position (GRCh38, 1-based): chr19:10,783,060, G>A. VCF-style: chr19-10783060-G-A. GRCh37 (hg19) VCF-style: chr19-10893736-G-A.
Other names: c.789G>A, p.Pro263= (NM_001190716.2, NM_004945.4, NM_001005360.3 and 1 more transcripts).
Identifiers: ClinVar variation 287974 (VCV000287974.25), dbSNP rs199976453, ClinGen allele CA9200887.

ClinVar aggregate classification (germline): Benign/Likely benign. Review status: criteria provided, multiple submitters, no conflicts (2 of 4 stars). 7 submissions from 7 submitters: Benign (2); Likely benign (4). 1 of the submissions does not count toward it. Last evaluated 2026-01-26.

Conditions:
DNM2-related disorder. Also called: DNM2-related condition.
Inborn genetic diseases. Identifiers: MedGen C0950123, MeSH D030342.
Charcot-Marie-Tooth disease dominant intermediate B (CMTDIB). Also called: CHARCOT-MARIE-TOOTH NEUROPATHY, DOMINANT INTERMEDIATE B; Charcot-Marie-Tooth disease dominant intermediate 1; CMT DI1; Charcot-Marie-Tooth disease dominant intermediate I. Identifiers: Orphanet 100044, Orphanet 228179, MedGen C1847902, MONDO:0011674, OMIM 606482.

Allele frequency attached by ClinVar (database versions not stated): gnomAD exomes 0.00012 and 0.00059; gnomAD 0.00014 and 0.00019; TOPMed 0.00028; ExAC 0.00057; 1000 Genomes Project 0.00140; 1000 Genomes Project 30x 0.00141.
gnomAD v4.1: 206 of 1,613,846 alleles (0.013%); highest among the groups gnomAD compares: East Asian, 0.43%; no homozygotes.

Submissions (7):

Labcorp Genetics (formerly Invitae), Labcorp
Classification: Benign for Charcot-Marie-Tooth disease dominant intermediate B. Last evaluated: 2026-01-26. Review status: criteria provided, single submitter. Criteria: Invitae Variant Classification Sherloc (09022015). Collection method: clinical testing. Allele origin: germline.

Athena Diagnostics
Classification: Benign. Last evaluated: 2025-07-18. Review status: criteria provided, single submitter. Criteria: Athena Diagnostics Criteria. Collection method: clinical testing. Allele origin: unknown.
Comment: The frequency of this variant in the general population is higher than would generally be expected for pathogenic variants in this gene. This nucleotide position exhibits low evolutionary conservation.

Ambry Genetics
Classification: Likely benign for Inborn genetic diseases. Last evaluated: 2019-07-11. Review status: criteria provided, single submitter. Criteria: Ambry Variant Classification Scheme 2023. Collection method: clinical testing. Allele origin: germline.

GeneDx
Classification: Likely benign. Last evaluated: 2016-08-17. Review status: criteria provided, single submitter. Criteria: GeneDx Variant Classification (06012015). Collection method: clinical testing. Allele origin: germline. Affected: yes.
Comment: This variant is considered likely benign or benign based on one or more of the following criteria: it is a conservative change, it occurs at a poorly conserved position in the protein, it is predicted to be benign by multiple in silico algorithms, and/or has population frequency not consistent with disease.

Eurofins Ntd Llc (ga)
Classification: Likely benign. Last evaluated: 2016-06-15. Review status: criteria provided, single submitter. Criteria: EGL Classification Definitions 2015. Collection method: clinical testing. Allele origin: germline. Observed: 1 variant allele, 1 heterozygote.

Breakthrough Genomics
Classification: Likely benign. Review status: criteria provided, single submitter. Criteria: ACMG Guidelines, 2015. Collection method: not provided. Allele origin: germline. Inheritance: Autosomal recessive inheritance. Affected: yes.

PreventionGenetics, part of Exact Sciences
Classification: Benign for DNM2-related condition. Last evaluated: 2019-11-19. Review status: no assertion criteria provided. Collection method: clinical testing. Allele origin: germline. Not counted in ClinVar's aggregate classification.
Comment: This variant is classified as benign based on ACMG/AMP sequence variant interpretation guidelines (Richards et al. 2015 PMID: 25741868, with internal and published modifications).